The following is an entry in ClinVar:

NM_014727.3(KMT2B):c.5825C>T (p.Pro1942Leu)

Gene: KMT2B (lysine methyltransferase 2B; plus strand). Cytogenetic location: 19q13.12.
Variant type: single nucleotide variant.
Coding change: c.5825C>T on transcript NM_014727.3 (MANE Select); coding-DNA position 5825, C replaced by T.
Protein change: p.Pro1942Leu; replaces proline 1942 with leucine.
Molecular consequence: missense variant.
Genome position (GRCh38, 1-based): chr19:35,732,374, C>T. VCF-style: chr19-35732374-C-T. GRCh37 (hg19) VCF-style: chr19-36223275-C-T.
Other names: short protein forms P1942L.
Identifiers: ClinVar variation 4781070 (VCV004781070.1).

ClinVar aggregate classification (germline): Uncertain significance (1 of 4 stars; one submission).

gnomAD v4.1: 3 of 1,613,046 alleles (0.00019%); highest among the groups gnomAD compares: East Asian, 0.0022%; no homozygotes.

Submission:

Labcorp Genetics (formerly Invitae), Labcorp
Classification: Uncertain significance. Last evaluated: 2025-02-26. Review status: criteria provided, single submitter. Criteria: Invitae Variant Classification Sherloc (09022015). Collection method: clinical testing. Allele origin: germline.
Comment: This sequence change replaces proline, which is neutral and non-polar, with leucine, which is neutral and non-polar, at codon 1942 of the KMT2B protein (p.Pro1942Leu). This variant is not present in population databases (gnomAD no frequency). This variant has not been reported in the literature in individuals affected with KMT2B-related conditions. Invitae Evidence Modeling of protein sequence and biophysical properties (such as structural, functional, and spatial information, amino acid conservation, physicochemical variation, residue mobility, and thermodynamic stability) indicates that this missense variant is not expected to disrupt KMT2B protein function with a negative predictive value of 95%. In summary, the available evidence is currently insufficient to determine the role of this variant in disease. Therefore, it has been classified as a Variant of Uncertain Significance.